The following is an entry in ClinVar:

NM_004341.5(CAD):c.5695G>A (p.Ala1899Thr)

Gene: CAD (carbamoyl-phosphate synthetase 2, aspartate transcarbamylase, and dihydroorotase; plus strand). Cytogenetic location: 2p23.3.
Variant type: single nucleotide variant.
Coding change: c.5695G>A on transcript NM_004341.5 (MANE Select); coding-DNA position 5695, G replaced by A.
Protein change: p.Ala1899Thr; replaces alanine 1899 with threonine.
Molecular consequence: missense variant.
Genome position (GRCh38, 1-based): chr2:27,241,114, G>A. VCF-style: chr2-27241114-G-A. GRCh37 (hg19) VCF-style: chr2-27463982-G-A.
Other names: c.5506G>A, p.Ala1836Thr (NM_001306079.2); short protein forms A1836T, A1899T.
Identifiers: ClinVar variation 1971487 (VCV001971487.5), dbSNP rs770541452, ClinGen allele CA1573984.
Genomic context (GRCh38, chr2:27,241,114, plus strand): 5'-GCAGAGCTGATGGGAACCCCTGATGGCACCTGCTACCCTCCACCACCAGTACCGAGACAG[G>A]CATCTCCCCAGAACCTGGGGACCCCTGGCTTGCTGCACCCCCAGACCTCACCCCTGCTGC-3'
Protein context (NP_004332.2, residues 1889-1909): CYPPPPVPRQ[Ala1899Thr]SPQNLGTPGL

ClinVar aggregate classification (germline): Uncertain significance (1 of 4 stars; one submission).

Allele frequency attached by ClinVar (database versions not stated): ExAC 0.00001.

Submission:

Labcorp Genetics (formerly Invitae), Labcorp
Classification: Uncertain significance. Last evaluated: 2021-12-21. Review status: criteria provided, single submitter. Criteria: Invitae Variant Classification Sherloc (09022015). Collection method: clinical testing. Allele origin: germline.
Comment: Algorithms developed to predict the effect of missense changes on protein structure and function (SIFT, PolyPhen-2, Align-GVGD) all suggest that this variant is likely to be tolerated. In summary, the available evidence is currently insufficient to determine the role of this variant in disease. Therefore, it has been classified as a Variant of Uncertain Significance. This variant has not been reported in the literature in individuals affected with CAD-related conditions. This variant is present in population databases (rs770541452, gnomAD 0.007%). This sequence change replaces alanine, which is neutral and non-polar, with threonine, which is neutral and polar, at codon 1899 of the CAD protein (p.Ala1899Thr).